The following is an entry in ClinVar:

NM_006790.3(MYOT):c.1454G>A (p.Arg485His)

Genes: PKD2L2-DT (PKD2L2 divergent transcript; minus strand), MYOT (myotilin; plus strand). Cytogenetic location: 5q31.2.
Variant type: single nucleotide variant.
Coding change: c.1454G>A on transcript NM_006790.3 (MANE Select); coding-DNA position 1454, G replaced by A.
Protein change: p.Arg485His; replaces arginine 485 with histidine.
Molecular consequence: missense variant.
Genome position (GRCh38, 1-based): chr5:137,887,342, G>A. VCF-style: chr5-137887342-G-A. GRCh37 (hg19) VCF-style: chr5-137223031-G-A.
Other names: c.902G>A, p.Arg301His (NM_001135940.2); c.1109G>A, p.Arg370His (NM_001300911.2); short protein forms R301H, R370H, R485H.
Identifiers: ClinVar variation 2201644 (VCV002201644.4), dbSNP rs878976149, ClinGen allele CA128108665.

ClinVar aggregate classification (germline): Uncertain significance (1 of 4 stars; one submission).

Conditions:
Myofibrillar myopathy 3 (MFM3). Also called: Autosomal dominant spheroid body myopathy; Muscular dystrophy, proximal, type 1A. Identifiers: Orphanet 266, Orphanet 268129, MedGen C3714934, MONDO:0012215, OMIM 609200.

Allele frequency attached by ClinVar (database versions not stated): gnomAD exomes 0.00001; TOPMed 0.00002; gnomAD 0.00003.
gnomAD v4.1: 20 of 1,613,856 alleles (0.0012%); highest among the groups gnomAD compares: South Asian, 0.0055%; no homozygotes.

Submission:

Labcorp Genetics (formerly Invitae), Labcorp
Classification: Uncertain significance for Myofibrillar myopathy 3. Last evaluated: 2023-09-21. Review status: criteria provided, single submitter. Criteria: Invitae Variant Classification Sherloc (09022015). Collection method: clinical testing. Allele origin: germline.
Comment: This sequence change replaces arginine, which is basic and polar, with histidine, which is basic and polar, at codon 485 of the MYOT protein (p.Arg485His). This variant is present in population databases (no rsID available, gnomAD 0.006%). This variant has not been reported in the literature in individuals affected with MYOT-related conditions. ClinVar contains an entry for this variant (Variation ID: 2201644). An algorithm developed to predict the effect of missense changes on protein structure and function (PolyPhen-2) suggests that this variant is likely to be disruptive. In summary, the available evidence is currently insufficient to determine the role of this variant in disease. Therefore, it has been classified as a Variant of Uncertain Significance.